The following is an entry in ClinVar:

ClinVar aggregate classification (germline): Pathogenic (1 of 4 stars; one submission).

Conditions:
Vici syndrome (VICIS). Identifiers: Orphanet 1493, MedGen C1855772, MONDO:0009452, OMIM 242840.

Submission:

Labcorp Genetics (formerly Invitae), Labcorp
Classification: Pathogenic for Vici syndrome. Last evaluated: 2023-03-09. Review status: criteria provided, single submitter. Criteria: Invitae Variant Classification Sherloc (09022015). Collection method: clinical testing. Allele origin: germline.
Comment: This variant is not present in population databases (gnomAD no frequency). For these reasons, this variant has been classified as Pathogenic. This variant has not been reported in the literature in individuals affected with EPG5-related conditions. This sequence change creates a premature translational stop signal (p.Tyr1824*) in the EPG5 gene. It is expected to result in an absent or disrupted protein product. Loss-of-function variants in EPG5 are known to be pathogenic (PMID: 23222957, 23674064).

Literature cited by the submitters: PubMed 23222957; PubMed 23674064.

NM_020964.3(EPG5):c.5472C>G (p.Tyr1824Ter)

Gene: EPG5 (ectopic P-granules 5 autophagy tethering factor; minus strand). Cytogenetic location: 18q12.3.
Variant type: single nucleotide variant.
Coding change: c.5472C>G on transcript NM_020964.3 (MANE Select); coding-DNA position 5472, C replaced by G.
Protein change: p.Tyr1824Ter; replaces tyrosine 1824 with a stop codon.
Molecular consequence: nonsense.
Genome position (GRCh38, 1-based): chr18:45,882,320, G>C on the plus strand (C>G on the coding strand, the complement: EPG5 is on the minus strand). VCF-style: chr18-45882320-G-C. GRCh37 (hg19) VCF-style: chr18-43462285-G-C.
Other names: c.5472C>G, p.Tyr1824Ter (NM_001410858.1, NM_001410859.1); short protein forms Y1824*.
Identifiers: ClinVar variation 2844636 (VCV002844636.3), dbSNP rs909725535, ClinGen allele CA402344660.